The following is an entry in ClinVar:

NM_020203.6(MEPE):c.1462G>T (p.Gly488Trp)

Genes: MEPE (matrix extracellular phosphoglycoprotein; plus strand), MEPE-AS1 (MEPE and IBSP antisense RNA 1; minus strand). Cytogenetic location: 4q22.1.
Variant type: single nucleotide variant.
Coding change: c.1462G>T on transcript NM_020203.6 (MANE Select); coding-DNA position 1462, G replaced by T.
Protein change: p.Gly488Trp; replaces glycine 488 with tryptophan.
Molecular consequence: missense variant.
Genome position (GRCh38, 1-based): chr4:87,846,330, G>T. VCF-style: chr4-87846330-G-T. GRCh37 (hg19) VCF-style: chr4-88767482-G-T.
Other names: c.1462G>T, p.Gly488Trp (NM_001184694.3); c.1123G>T, p.Gly375Trp (NM_001184695.4, NM_001184696.2, NM_001184697.2); c.1555G>T, p.Gly519Trp (NM_001291183.2); short protein forms G488W, G519W, G375W.
Identifiers: ClinVar variation 4992189 (VCV004992189.1).

ClinVar aggregate classification (germline): Uncertain significance (1 of 4 stars; one submission).

Conditions:
MEPE-related disorder. Also called: MEPE-related condition.

gnomAD v4.1: 2 of 1,614,080 alleles (0.00012%); highest among the groups gnomAD compares: African/African-American, 0.0027%; no homozygotes.

Submission:

PreventionGenetics, part of Exact Sciences
Classification: Uncertain significance for MEPE-related condition. Last evaluated: 2026-04-27. Review status: criteria provided, single submitter. Criteria: ACMG Guidelines, 2015. Collection method: clinical testing. Allele origin: germline.
Comment: The MEPE c.1555G>T variant is predicted to result in the amino acid substitution p.Gly519Trp. To our knowledge, this variant has not been reported in the literature or in a large population database (gnomAD), indicating this variant is rare. At this time, the clinical significance of this variant is uncertain due to the absence of conclusive functional and genetic evidence.